The following is an entry in ClinVar:

ClinVar aggregate classification (germline): Uncertain significance. Review status: criteria provided, multiple submitters, no conflicts (2 of 4 stars). 2 submissions from 2 submitters: Uncertain significance (2). Last evaluated 2024-04-16.

Conditions:
Malignant hyperthermia, susceptibility to, 1 (MHS1). Also called: Anesthesia related hyperthermia; Malignant hyperpyrexia; Fulminating hyperpyrexia; Pharmacogenic myopathy; RYR1-Related Malignant Hyperthermia Susceptibility; Malignant hyperthermia suceptibility 1. Identifiers: Orphanet 423, MedGen C2930980, MONDO:0007783, OMIM 145600.

Allele frequency attached by ClinVar (database versions not stated): gnomAD exomes below 0.00001.
gnomAD v4.1: 1 of 1,594,882 alleles (0.000063%); highest among the groups gnomAD compares: Admixed American, 0.0018%; no homozygotes.

Submissions (2):

All of Us Research Program, National Institutes of Health
Classification: Uncertain significance for Malignant hyperthermia, susceptibility to, 1. Last evaluated: 2024-04-16. Review status: criteria provided, single submitter. Criteria: ACMG Guidelines, 2015. Collection method: clinical testing. Allele origin: germline. Inheritance: Autosomal dominant inheritance. Observed: 3 variant alleles, 3 heterozygotes.
Comment: This missense variant replaces serine with asparagine at codon 419 of the RYR1 protein. Computational prediction suggests that this variant may not impact protein structure and function (internally defined REVEL score threshold <= 0.5, PMID: 27666373). To our knowledge, functional studies have not been reported for this variant. This variant has not been reported in individuals affected with RYR1-related disorders in the literature. This variant has been identified in 1/212210 chromosomes in the general population by the Genome Aggregation Database (gnomAD). The available evidence is insufficient to determine the role of this variant in disease conclusively. Therefore, this variant is classified as a Variant of Uncertain Significance.

This study involves interpretation of variants in research participants for the purpose of population health screening. Participant phenotype was not available at the time of variant classification. Additional details can be found in publication PMID: 35346344, PMCID: PMC8962531

Color Diagnostics, LLC DBA Color Health
Classification: Uncertain significance for Malignant hyperthermia, susceptibility to, 1. Last evaluated: 2024-03-28. Review status: criteria provided, single submitter. Criteria: ACMG Guidelines, 2015. Collection method: clinical testing. Allele origin: germline.
Comment: This missense variant replaces serine with asparagine at codon 419 of the RYR1 protein. Computational prediction suggests that this variant may not impact protein structure and function. To our knowledge, functional studies have not been reported for this variant. This variant has not been reported in individuals affected with RYR1-related disorders in the literature. This variant has been identified in 1/212210 chromosomes in the general population by the Genome Aggregation Database (gnomAD). The available evidence is insufficient to determine the role of this variant in disease conclusively. Therefore, this variant is classified as a Variant of Uncertain Significance.

NM_000540.3(RYR1):c.1256G>A (p.Ser419Asn)

Gene: RYR1 (ryanodine receptor 1; plus strand). Cytogenetic location: 19q13.2.
Variant type: single nucleotide variant.
Coding change: c.1256G>A on transcript NM_000540.3 (MANE Select); coding-DNA position 1256, G replaced by A.
Protein change: p.Ser419Asn; replaces serine 419 with asparagine.
Molecular consequence: missense variant.
Genome position (GRCh38, 1-based): chr19:38,452,830, G>A. VCF-style: chr19-38452830-G-A. GRCh37 (hg19) VCF-style: chr19-38943470-G-A.
Other names: c.1256G>A, p.Ser419Asn (NM_001042723.2); short protein forms S419N.
Identifiers: ClinVar variation 3073179 (VCV003073179.3), dbSNP rs1338427384, ClinGen allele CA405685149.